The following is an entry in ClinVar:

ClinVar aggregate classification (germline): Uncertain significance (1 of 4 stars; one submission).

Conditions:
Hereditary cancer-predisposing syndrome. Also called: Hereditary neoplastic syndrome; Neoplastic Syndromes, Hereditary; Hereditary Cancer Syndrome; Tumor predisposition. Identifiers: Orphanet 140162, MedGen C0027672, MeSH D009386, MONDO:0015356.

Submission:

Labcorp Genetics (formerly Invitae), Labcorp
Classification: Uncertain significance for Hereditary cancer-predisposing syndrome. Last evaluated: 2018-11-01. Review status: criteria provided, single submitter. Criteria: Invitae Variant Classification Sherloc (09022015). Collection method: clinical testing. Allele origin: germline.
Comment: In summary, the available evidence is currently insufficient to determine the role of this variant in disease. Therefore, it has been classified as a Variant of Uncertain Significance. Algorithms developed to predict the effect of missense changes on protein structure and function are either unavailable or do not agree on the potential impact of this missense change (SIFT: "Tolerated"; PolyPhen-2: "Possibly Damaging"; Align-GVGD: "Class C0"). This variant has not been reported in the literature in individuals with RAD50-related disease. This variant is not present in population databases (ExAC no frequency). This sequence change replaces glutamic acid with lysine at codon 746 of the RAD50 protein (p.Glu746Lys). The glutamic acid residue is moderately conserved and there is a small physicochemical difference between glutamic acid and lysine.

NM_005732.4(RAD50):c.2236G>A (p.Glu746Lys)

Gene: RAD50 (RAD50 double strand break repair protein; plus strand). Cytogenetic location: 5q31.1.
Variant type: single nucleotide variant.
Coding change: c.2236G>A on transcript NM_005732.4 (MANE Select); coding-DNA position 2236, G replaced by A.
Protein change: p.Glu746Lys; replaces glutamic acid 746 with lysine.
Molecular consequence: missense variant.
Genome position (GRCh38, 1-based): chr5:132,603,328, G>A. VCF-style: chr5-132603328-G-A. GRCh37 (hg19) VCF-style: chr5-131939020-G-A.
Other names: short protein forms E746K.
Identifiers: ClinVar variation 660213 (VCV000660213.9), dbSNP rs1581000938, ClinGen allele CA360953897.